The following is an entry in ClinVar:

NM_001162501.2(TNRC6B):c.3838T>A (p.Leu1280Met)

Gene: TNRC6B (trinucleotide repeat containing adaptor 6B; plus strand). Cytogenetic location: 22q13.1.
Variant type: single nucleotide variant.
Coding change: c.3838T>A on transcript NM_001162501.2 (MANE Select); coding-DNA position 3838, T replaced by A.
Protein change: p.Leu1280Met; replaces leucine 1280 with methionine.
Molecular consequence: missense variant.
Genome position (GRCh38, 1-based): chr22:40,300,584, T>A. VCF-style: chr22-40300584-T-A. GRCh37 (hg19) VCF-style: chr22-40696588-T-A.
Other names: c.1426T>A, p.Leu476Met (NM_001024843.2); c.3508T>A, p.Leu1170Met (NM_015088.3); short protein forms L1170M, L1280M, L476M.
Identifiers: ClinVar variation 2573932 (VCV002573932.2), dbSNP rs994953334, ClinGen allele CA324441857.

ClinVar aggregate classification (germline): Uncertain significance (1 of 4 stars; one submission).

Allele frequency attached by ClinVar (database versions not stated): TOPMed below 0.00001.

Submission:

GeneDx
Classification: Uncertain significance. Last evaluated: 2023-10-11. Review status: criteria provided, single submitter. Criteria: GeneDx Variant Classification Process June 2021. Collection method: clinical testing. Allele origin: germline.
Comment: Not observed at significant frequency in large population cohorts (gnomAD); In silico analysis supports that this missense variant does not alter protein structure/function; Has not been previously published as pathogenic or benign to our knowledge